The following is an entry in ClinVar:

NM_031206.7(LAS1L):c.1237G>A (p.Gly413Arg)

Gene: LAS1L (LAS1 like ribosome biogenesis factor; minus strand). Cytogenetic location: Xq12.
Variant type: single nucleotide variant.
Coding change: c.1237G>A on transcript NM_031206.7 (MANE Select); coding-DNA position 1237, G replaced by A.
Protein change: p.Gly413Arg; replaces glycine 413 with arginine.
Molecular consequence: missense variant. On other transcripts: non-coding transcript variant (1).
Genome position (GRCh38, 1-based): chrX:65,524,119, C>T on the plus strand (G>A on the coding strand, the complement: LAS1L is on the minus strand). VCF-style: chrX-65524119-C-T. GRCh37 (hg19) VCF-style: chrX-64743999-C-T.
Other names: c.1186G>A, p.Gly396Arg (NM_001170649.2, NM_001375331.1, NM_001375333.1 and 2 more transcripts); c.1060G>A, p.Gly354Arg (NM_001170650.2); c.1237G>A, p.Gly413Arg (NM_001375328.1, NM_001375329.1, NM_001375330.1 and 2 more transcripts); c.280G>A, p.Gly94Arg (NM_001375332.1); c.1237G>A (NM_031206.4); short protein forms G396R, G413R, G354R, G94R.
Identifiers: ClinVar variation 666263 (VCV000666263.3), dbSNP rs1602612611, ClinGen allele CA413317112.

ClinVar aggregate classification (germline): Pathogenic/Likely pathogenic. Review status: criteria provided, multiple submitters, no conflicts (2 of 4 stars). 2 submissions from 2 submitters: Pathogenic (1); Likely pathogenic (1). Last evaluated 2026-07-22.

Conditions:
Wilson-Turner syndrome (WTS). Also called: MENTAL RETARDATION, X-LINKED, SYNDROMIC 6; INTELLECTUAL DEVELOPMENTAL DISORDER, X-LINKED, SYNDROMIC, WILSON-TURNER TYPE. Identifiers: Orphanet 3459, MedGen C1839736, MONDO:0010665, OMIM 309585.

Submissions (2):

GeneDx
Classification: Pathogenic. Last evaluated: 2026-07-22. Review status: criteria provided, single submitter. Criteria: GeneDx Variant Classification Process June 2021. Collection method: clinical testing. Allele origin: germline.
Comment: Identified in a patient belonging to a cohort of patients with an Angelman syndrome-like disorder in published literature (PMID: 34653234); Not observed at significant frequency in large population cohorts (gnomAD); In silico analysis supports that this missense variant has a deleterious effect on protein structure/function; This variant is associated with the following publications: (PMID: Suenera2025[CaseReport], 34653234)

Genetics Laboratory - UDIAT Centre Diagnòstic, Hospital Universitari Parc Tauli
Classification: Likely pathogenic for Wilson-Turner syndrome. Last evaluated: 2019-07-10. Review status: criteria provided, single submitter. Criteria: ACMG Guidelines, 2015. Collection method: clinical testing. Allele origin: maternal. Affected: yes.